The following is an entry in ClinVar:

ClinVar aggregate classification (germline): Uncertain significance (1 of 4 stars; one submission).

Conditions:
Cornelia de Lange syndrome 4 (CDLS4). Also called: CORNELIA DE LANGE SYNDROME 4 WITH OR WITHOUT MIDLINE BRAIN DEFECTS; RAD21-Related Cornelia de Lange Syndrome. Identifiers: Orphanet 199, MedGen C3553517, MONDO:0013864, OMIM 614701.

gnomAD v4.1: 1 of 1,528,276 alleles (0.000065%); highest among the groups gnomAD compares: Non-Finnish European, 0.000088%; no homozygotes.

Submission:

Labcorp Genetics (formerly Invitae), Labcorp
Classification: Uncertain significance for Cornelia de Lange syndrome 4. Last evaluated: 2025-11-12. Review status: criteria provided, single submitter. Criteria: Invitae Variant Classification Sherloc (09022015). Collection method: clinical testing. Allele origin: germline.
Comment: This sequence change replaces serine, which is neutral and polar, with asparagine, which is neutral and polar, at codon 235 of the RAD21 protein (p.Ser235Asn). This variant is not present in population databases (gnomAD no frequency). This variant has not been reported in the literature in individuals affected with RAD21-related conditions. Invitae Evidence Modeling of protein sequence and biophysical properties (such as structural, functional, and spatial information, amino acid conservation, physicochemical variation, residue mobility, and thermodynamic stability) indicates that this missense variant is not expected to disrupt RAD21 protein function with a negative predictive value of 95%. In summary, the available evidence is currently insufficient to determine the role of this variant in disease. Therefore, it has been classified as a Variant of Uncertain Significance.

NM_006265.3(RAD21):c.704G>A (p.Ser235Asn)

Gene: RAD21 (RAD21 cohesin complex component; minus strand). Cytogenetic location: 8q24.11.
Variant type: single nucleotide variant.
Coding change: c.704G>A on transcript NM_006265.3 (MANE Select); coding-DNA position 704, G replaced by A.
Protein change: p.Ser235Asn; replaces serine 235 with asparagine.
Molecular consequence: missense variant.
Genome position (GRCh38, 1-based): chr8:116,856,756, C>T on the plus strand (G>A on the coding strand, the complement: RAD21 is on the minus strand). VCF-style: chr8-116856756-C-T. GRCh37 (hg19) VCF-style: chr8-117868995-C-T.
Other names: short protein forms S235N.
Identifiers: ClinVar variation 4798255 (VCV004798255.1).